The following is an entry in ClinVar:

ClinVar aggregate classification (germline): Pathogenic. Review status: criteria provided, multiple submitters, no conflicts (2 of 4 stars). 2 submissions from 2 submitters: Pathogenic (2). Last evaluated 2024-11-05.

Conditions:
HNF1A-related disorders.

Submissions (2):

Blueprint Genetics
Classification: Pathogenic for HNF1A-related disorders. Last evaluated: 2024-11-05. Review status: criteria provided, single submitter. Criteria: ACMG Guidelines, 2015. Collection method: clinical testing. Allele origin: germline. Affected: yes. Observed: 1 variant allele.

GeneDx
Classification: Pathogenic. Last evaluated: 2024-07-17. Review status: criteria provided, single submitter. Criteria: GeneDx Variant Classification Process June 2021. Collection method: clinical testing. Allele origin: germline. Affected: yes.
Comment: Frameshift variant predicted to result in protein truncation or nonsense mediated decay in a gene for which loss of function is a known mechanism of disease; Not observed at significant frequency in large population cohorts (gnomAD); This variant is associated with the following publications: (PMID: 26307397)

NM_000545.8(HNF1A):c.130dup (p.Leu44fs)

Gene: HNF1A (HNF1 homeobox A; plus strand). Cytogenetic location: 12q24.31.
Variant type: Duplication.
Coding change: c.130dup on transcript NM_000545.8 (MANE Select); coding-DNA position 130, one base duplicated (C; older notation c.130dupC).
Protein change: p.Leu44fs; shifts the reading frame from leucine 44.
Molecular consequence: frameshift variant.
Genome position (GRCh38, 1-based): chr12:120,978,898, C duplicated; the last of 5 consecutive C bases (chr12:120,978,894-120,978,898); duplicating any one gives the same sequence. VCF-style (leftmost placement, unchanged base first): chr12-120978893-G-GC. GRCh37 (hg19) VCF-style: chr12-121416696-G-GC.
Other names: c.130dup, p.Leu44fs (NM_001306179.2, NM_001406915.1); short protein forms L44fs.
Identifiers: ClinVar variation 3573483 (VCV003573483.2).